The following is an entry in ClinVar:

ClinVar aggregate classification (germline): Uncertain significance. Review status: criteria provided, multiple submitters, no conflicts (2 of 4 stars). 4 submissions from 4 submitters: Uncertain significance (4). Last evaluated 2026-02-11.

Conditions:
Breast-ovarian cancer, familial, susceptibility to, 4. Identifiers: Orphanet 145, MedGen C3280345, MONDO:0013669, OMIM 614291.
Hereditary cancer-predisposing syndrome. Also called: Neoplastic Syndromes, Hereditary; Tumor predisposition; Hereditary Cancer Syndrome; Hereditary neoplastic syndrome. Identifiers: Orphanet 140162, MedGen C0027672, MeSH D009386, MONDO:0015356.

Allele frequency attached by ClinVar (database versions not stated): gnomAD exomes below 0.00001; TOPMed below 0.00001; ExAC 0.00001.
gnomAD v4.1: 3 of 1,614,000 alleles (0.00019%); highest among the groups gnomAD compares: Admixed American, 0.0017%; no homozygotes.

Submissions (4):

St. Jude Molecular Pathology, St. Jude Children's Research Hospital
Classification: Uncertain significance for Breast-ovarian cancer, familial, susceptibility to, 4. Last evaluated: 2026-02-11. Review status: criteria provided, single submitter. Criteria: St. Jude Assertion Criteria 2020. Collection method: clinical testing. Allele origin: germline.
Comment: The RAD51D c.760G>A p.(Asp254Asn) missense change has a maximum subpopulation frequency of 0.003% in gnomAD v2.1.1. The in silico tool REVEL predicts a benign effect on protein function, but to our knowledge this prediction has not been confirmed by functional studies. To our knowledge, this variant has not been reported in individuals with RAD5 1D- associated conditions. In summary, the evidence currently available is insufficient to determine the clinical significance of this variant. It has therefore been classified as of uncertain significance.

Labcorp Genetics (formerly Invitae), Labcorp
Classification: Uncertain significance for Breast-ovarian cancer, familial, susceptibility to, 4. Last evaluated: 2024-07-02. Review status: criteria provided, single submitter. Criteria: Invitae Variant Classification Sherloc (09022015). Collection method: clinical testing. Allele origin: germline.
Comment: This sequence change replaces aspartic acid, which is acidic and polar, with asparagine, which is neutral and polar, at codon 254 of the RAD51D protein (p.Asp254Asn). This variant is present in population databases (rs757446541, gnomAD 0.003%). This variant has not been reported in the literature in individuals affected with RAD51D-related conditions. ClinVar contains an entry for this variant (Variation ID: 648365). Advanced modeling of protein sequence and biophysical properties (such as structural, functional, and spatial information, amino acid conservation, physicochemical variation, residue mobility, and thermodynamic stability) performed at Invitae indicates that this missense variant is not expected to disrupt RAD51D protein function with a negative predictive value of 80%. In summary, the available evidence is currently insufficient to determine the role of this variant in disease. Therefore, it has been classified as a Variant of Uncertain Significance.

Ambry Genetics
Classification: Uncertain significance for Hereditary cancer-predisposing syndrome. Last evaluated: 2023-12-09. Review status: criteria provided, single submitter. Criteria: Ambry Variant Classification Scheme 2023. Collection method: clinical testing. Allele origin: germline.
Comment: The p.D254N variant (also known as c.760G>A), located in coding exon 9 of the RAD51D gene, results from a G to A substitution at nucleotide position 760. The aspartic acid at codon 254 is replaced by asparagine, an amino acid with highly similar properties. This amino acid position is highly conserved in available vertebrate species. In addition, this alteration is predicted to be tolerated by in silico analysis. Since supporting evidence is limited at this time, the clinical significance of this alteration remains unclear.

Color Diagnostics, LLC DBA Color Health
Classification: Uncertain significance for Hereditary cancer-predisposing syndrome. Last evaluated: 2018-11-26. Review status: criteria provided, single submitter. Criteria: ACMG Guidelines, 2015. Collection method: clinical testing. Allele origin: germline.

NM_002878.4(RAD51D):c.760G>A (p.Asp254Asn)

Genes: RAD51D (RAD51 paralog D; minus strand), RAD51L3-RFFL (RAD51L3-RFFL readthrough; minus strand). Cytogenetic location: 17q12.
Variant type: single nucleotide variant.
Coding change: c.760G>A on transcript NM_002878.4 (MANE Select); coding-DNA position 760, G replaced by A.
Protein change: p.Asp254Asn; replaces aspartic acid 254 with asparagine.
Molecular consequence: missense variant. On other transcripts: non-coding transcript variant (3).
Genome position (GRCh38, 1-based): chr17:35,101,344, C>T on the plus strand (G>A on the coding strand, the complement: RAD51D is on the minus strand). VCF-style: chr17-35101344-C-T. GRCh37 (hg19) VCF-style: chr17-33428363-C-T.
Other names: c.820G>A, p.Asp274Asn (NM_001142571.2); c.424G>A, p.Asp142Asn (NM_133629.3); short protein forms D142N, D254N, D274N.
Identifiers: ClinVar variation 648365 (VCV000648365.12), dbSNP rs757446541, ClinGen allele CA8499350.